The following is an entry in ClinVar:

NM_004565.3(PEX14):c.234G>A (p.Ser78=)

Gene: PEX14 (peroxisomal biogenesis factor 14; plus strand). Cytogenetic location: 1p36.22.
Variant type: single nucleotide variant.
Coding change: c.234G>A on transcript NM_004565.3 (MANE Select); coding-DNA position 234, G replaced by A.
Protein change: p.Ser78=; no amino-acid change (serine 78 retained).
Molecular consequence: synonymous variant.
Genome position (GRCh38, 1-based): chr1:10,599,302, G>A. VCF-style: chr1-10599302-G-A. GRCh37 (hg19) VCF-style: chr1-10659359-G-A.
Other names: c.234G>A (NM_004565.2).
Identifiers: ClinVar variation 1668323 (VCV001668323.9), dbSNP rs778634623, ClinGen allele CA18354445.

ClinVar aggregate classification (germline): Likely benign. Review status: criteria provided, multiple submitters, no conflicts (2 of 4 stars). 2 submissions from 2 submitters: Likely benign (2). Last evaluated 2025-07-02.

Conditions:
Peroxisome biogenesis disorder, complementation group K (CGK). Identifiers: MedGen C1866257, MONDO:0800365.
PEX14-related disorder. Also called: PEX14-related condition.

Allele frequency attached by ClinVar (database versions not stated): gnomAD 0.00001; TOPMed 0.00001.
gnomAD v4.1: 35 of 1,613,992 alleles (0.0022%); highest among the groups gnomAD compares: Non-Finnish European, 0.0029%; no homozygotes.

Submissions (2):

PreventionGenetics, part of Exact Sciences
Classification: Likely benign for PEX14-related condition. Last evaluated: 2025-07-02. Review status: criteria provided, single submitter. Criteria: ACMG Guidelines, 2015. Collection method: clinical testing. Allele origin: germline.
Comment: This variant is classified as likely benign based on ACMG/AMP sequence variant interpretation guidelines (Richards et al. 2015 PMID: 25741868, with internal and published modifications).

Labcorp Genetics (formerly Invitae), Labcorp
Classification: Likely benign for Peroxisome biogenesis disorder, complementation group K. Last evaluated: 2025-05-19. Review status: criteria provided, single submitter. Criteria: Invitae Variant Classification Sherloc (09022015). Collection method: clinical testing. Allele origin: germline.